The following is an entry in ClinVar:

NM_005546.4(ITK):c.764A>T (p.Asp255Val)

Gene: ITK (IL2 inducible T cell kinase; plus strand). Cytogenetic location: 5q33.3.
Variant type: single nucleotide variant.
Coding change: c.764A>T on transcript NM_005546.4 (MANE Select); coding-DNA position 764, A replaced by T.
Protein change: p.Asp255Val; replaces aspartic acid 255 with valine.
Molecular consequence: missense variant.
Genome position (GRCh38, 1-based): chr5:157,232,390, A>T. VCF-style: chr5-157232390-A-T. GRCh37 (hg19) VCF-style: chr5-156659400-A-T.
Other names: short protein forms D255V.
Identifiers: ClinVar variation 3616660 (VCV003616660.2).

ClinVar aggregate classification (germline): Uncertain significance. Review status: criteria provided, multiple submitters, no conflicts (2 of 4 stars). 2 submissions from 2 submitters: Uncertain significance (2). Last evaluated 2024-09-03.

Conditions:
Lymphoproliferative syndrome 1 (LPFS1). Identifiers: Orphanet 238505, Orphanet 538963, MedGen C3552634, MONDO:0013081, OMIM 613011.

gnomAD v4.1: 57 of 1,601,488 alleles (0.0036%); highest among the groups gnomAD compares: Non-Finnish European, 0.0026%; 1 homozygote.

Submissions (2):

Labcorp Genetics (formerly Invitae), Labcorp
Classification: Uncertain significance for Lymphoproliferative syndrome 1. Last evaluated: 2024-09-03. Review status: criteria provided, single submitter. Criteria: Invitae Variant Classification Sherloc (09022015). Collection method: clinical testing. Allele origin: germline.
Comment: This sequence change replaces aspartic acid, which is acidic and polar, with valine, which is neutral and non-polar, at codon 255 of the ITK protein (p.Asp255Val). This variant is present in population databases (rs145877465, gnomAD 0.02%). This variant has not been reported in the literature in individuals affected with ITK-related conditions. Invitae Evidence Modeling of protein sequence and biophysical properties (such as structural, functional, and spatial information, amino acid conservation, physicochemical variation, residue mobility, and thermodynamic stability) indicates that this missense variant is not expected to disrupt ITK protein function with a negative predictive value of 95%. In summary, the available evidence is currently insufficient to determine the role of this variant in disease. Therefore, it has been classified as a Variant of Uncertain Significance.

Blueprint Genetics
Classification: Uncertain significance. Last evaluated: 2024-04-11. Review status: criteria provided, single submitter. Criteria: ACMG Guidelines, 2015. Collection method: clinical testing. Allele origin: germline.